The following is an entry in ClinVar:

ClinVar aggregate classification (germline): Uncertain significance (1 of 4 stars; one submission).

Allele frequency attached by ClinVar (database versions not stated): gnomAD 0.00001; ExAC 0.00002; TOPMed 0.00003; ESP Exome Variant Server 0.00008.

Submission:

Ambry Genetics
Classification: Uncertain significance. Last evaluated: 2024-11-26. Review status: criteria provided, single submitter. Criteria: Ambry Variant Classification Scheme 2023. Collection method: clinical testing. Allele origin: germline.
Comment: The p.M103V variant (also known as c.307A>G), located in coding exon 1 of the MLH3 gene, results from an A to G substitution at nucleotide position 307. The methionine at codon 103 is replaced by valine, an amino acid with highly similar properties. This amino acid position is conserved. In addition, this alteration is predicted to be tolerated by in silico analysis. Since supporting evidence is limited at this time, the clinical significance of this alteration remains unclear.

NM_001040108.2(MLH3):c.307A>G (p.Met103Val)

Gene: MLH3 (mutL homolog 3; minus strand). Cytogenetic location: 14q24.3.
Variant type: single nucleotide variant.
Coding change: c.307A>G on transcript NM_001040108.2 (MANE Select); coding-DNA position 307, A replaced by G.
Protein change: p.Met103Val; replaces methionine 103 with valine.
Molecular consequence: missense variant.
Genome position (GRCh38, 1-based): chr14:75,049,349, T>C on the plus strand (A>G on the coding strand, the complement: MLH3 is on the minus strand). VCF-style: chr14-75049349-T-C. GRCh37 (hg19) VCF-style: chr14-75516052-T-C.
Other names: c.307A>G, p.Met103Val (NM_014381.3); short protein forms M103V.
Identifiers: ClinVar variation 2497088 (VCV002497088.3), dbSNP rs373441876, ClinGen allele CA7276054.